The following is an entry in ClinVar:

NM_003072.5(SMARCA4):c.770G>A (p.Gly257Glu)

Gene: SMARCA4 (SWI/SNF related BAF chromatin remodeling complex subunit ATPase 4; plus strand). Cytogenetic location: 19p13.2.
Variant type: single nucleotide variant.
Coding change: c.770G>A on transcript NM_003072.5 (MANE Select); coding-DNA position 770, G replaced by A.
Protein change: p.Gly257Glu; replaces glycine 257 with glutamic acid.
Molecular consequence: missense variant. On other transcripts: non-coding transcript variant (1).
Genome position (GRCh38, 1-based): chr19:10,986,914, G>A. VCF-style: chr19-10986914-G-A. GRCh37 (hg19) VCF-style: chr19-11097590-G-A.
Other names: c.770G>A, p.Gly257Glu (NM_001128844.3, NM_001128845.2, NM_001128846.2 and 4 more transcripts); short protein forms G257E.
Identifiers: ClinVar variation 827214 (VCV000827214.13), dbSNP rs1343719999, ClinGen allele CA404057845.
Genomic context (GRCh38, chr19:10,986,914, plus strand): 5'-GGCATAAACCTGGGACGCACTGTTTTCTCTTTTGTTTCTCCCTACATGTAGGTATGGGAG[G>A]GCCCAACATGCCTCCCCCAGGACCCTCGGGCGTGCCCCCCGGGATGCCAGGCCAGCCTCC-3'
Protein context (NP_003063.2, residues 247-267): PNYSRPHGMG[Gly257Glu]PNMPPPGPSG

ClinVar aggregate classification (germline): Uncertain significance. Review status: criteria provided, multiple submitters, no conflicts (2 of 4 stars). 2 submissions from 2 submitters: Uncertain significance (2). Last evaluated 2025-07-31.

Conditions:
Hereditary cancer-predisposing syndrome. Also called: Neoplastic Syndromes, Hereditary; Tumor predisposition; Hereditary neoplastic syndrome; Hereditary Cancer Syndrome. Identifiers: Orphanet 140162, MedGen C0027672, MeSH D009386, MONDO:0015356.
Rhabdoid tumor predisposition syndrome 2 (RTPS2). Identifiers: Orphanet 231108, Orphanet 69077, MedGen C2750074, MONDO:0013224, OMIM 613325.

Allele frequency attached by ClinVar (database versions not stated): TOPMed below 0.00001; gnomAD 0.00001.
gnomAD v4.1: 1 of 1,611,978 alleles (0.000062%); highest among the groups gnomAD compares: Non-Finnish European, 0.000085%; no homozygotes.

Submissions (2):

Labcorp Genetics (formerly Invitae), Labcorp
Classification: Uncertain significance for Rhabdoid tumor predisposition syndrome 2. Last evaluated: 2025-07-31. Review status: criteria provided, single submitter. Criteria: Invitae Variant Classification Sherloc (09022015). Collection method: clinical testing. Allele origin: germline.
Comment: This sequence change replaces glycine, which is neutral and non-polar, with glutamic acid, which is acidic and polar, at codon 257 of the SMARCA4 protein (p.Gly257Glu). This variant is not present in population databases (gnomAD no frequency). This variant has not been reported in the literature in individuals affected with SMARCA4-related conditions. ClinVar contains an entry for this variant (Variation ID: 827214). An algorithm developed to predict the effect of missense changes on protein structure and function (PolyPhen-2) suggests that this variant is likely to be disruptive. In summary, the available evidence is currently insufficient to determine the role of this variant in disease. Therefore, it has been classified as a Variant of Uncertain Significance.

Ambry Genetics
Classification: Uncertain significance for Hereditary cancer-predisposing syndrome. Last evaluated: 2025-06-20. Review status: criteria provided, single submitter. Criteria: Ambry Variant Classification Scheme 2023. Collection method: clinical testing. Allele origin: germline.
Comment: The p.G257E variant (also known as c.770G>A), located in coding exon 4 of the SMARCA4 gene, results from a G to A substitution at nucleotide position 770. The glycine at codon 257 is replaced by glutamic acid, an amino acid with similar properties. This amino acid position is highly conserved in available vertebrate species. In addition, this alteration is predicted to be deleterious by in silico analysis. Missense and in-frame variants in SMARCA4 are known to cause neurodevelopmental disorders; however, such associations with rhabdoid tumor predisposition syndrome including small cell carcinoma of the ovary-hypercalcemic type (SCCOHT) are exceedingly rare (Kosho T et al. Am J Med Genet C Semin Med Genet. 2014 Sep;166C(3):262-75; Jelinic P et al. Nat Genet. 2014 May;46(5):424-6). Based on the supporting evidence, the association of this alteration with Coffin-Siris syndrome is unknown; however, the association of this alteration with rhabdoid tumor predisposition syndrome is unlikely.